The following is an entry in ClinVar:

NM_002734.5(PRKAR1A):c.1030C>T (p.Pro344Ser)

Gene: PRKAR1A (protein kinase cAMP-dependent type I regulatory subunit alpha; plus strand). Cytogenetic location: 17q24.2.
Variant type: single nucleotide variant.
Coding change: c.1030C>T on transcript NM_002734.5 (MANE Select); coding-DNA position 1030, C replaced by T.
Protein change: p.Pro344Ser; replaces proline 344 with serine.
Molecular consequence: missense variant. On other transcripts: intron variant (1).
Genome position (GRCh38, 1-based): chr17:68,530,333, C>T. VCF-style: chr17-68530333-C-T. GRCh37 (hg19) VCF-style: chr17-66526474-C-T.
Other names: c.1030C>T (NM_002734.3); c.1030C>T, p.Pro344Ser (NM_001276289.2, NM_001278433.2, NM_001369389.1 and 3 more transcripts); c.973+332C>T (NM_001276290.1); short protein forms P344S.
Identifiers: ClinVar variation 2821666 (VCV002821666.4), dbSNP rs2509446699, ClinGen allele CA400754587.

ClinVar aggregate classification (germline): Uncertain significance. Review status: criteria provided, multiple submitters, no conflicts (2 of 4 stars). 2 submissions from 2 submitters: Uncertain significance (2). Last evaluated 2026-07-06.

Conditions:
Carney complex, type 1 (CNC1). Also called: CARNEY MYXOMA-ENDOCRINE COMPLEX; CARNEY COMPLEX, TYPE I. Identifiers: Orphanet 1359, MedGen C2607929, MONDO:0008057, OMIM 160980.
Hereditary cancer-predisposing syndrome. Also called: Hereditary Cancer Syndrome; Hereditary neoplastic syndrome; Neoplastic Syndromes, Hereditary; Tumor predisposition. Identifiers: Orphanet 140162, MedGen C0027672, MeSH D009386, MONDO:0015356.

Allele frequency attached by ClinVar (database versions not stated): gnomAD exomes below 0.00001.
gnomAD v4.1: 1 of 1,614,028 alleles (0.000062%); highest among the groups gnomAD compares: Non-Finnish European, 0.000085%; no homozygotes.

Submissions (2):

Ambry Genetics
Classification: Uncertain significance for Hereditary cancer-predisposing syndrome. Last evaluated: 2026-07-06. Review status: criteria provided, single submitter. Criteria: Ambry Variant Classification Scheme 2023. Collection method: clinical testing. Allele origin: germline.
Comment: The p.P344S variant (also known as c.1030C>T), located in coding exon 10 of the PRKAR1A gene, results from a C to T substitution at nucleotide position 1030. The proline at codon 344 is replaced by serine, an amino acid with similar properties. This amino acid position is conserved. In addition, the in silico prediction for this alteration is inconclusive. Based on the available evidence, the clinical significance of this variant remains unclear.

Labcorp Genetics (formerly Invitae), Labcorp
Classification: Uncertain significance for Carney complex, type 1. Last evaluated: 2022-12-23. Review status: criteria provided, single submitter. Criteria: Invitae Variant Classification Sherloc (09022015). Collection method: clinical testing. Allele origin: germline.
Comment: This sequence change replaces proline, which is neutral and non-polar, with serine, which is neutral and polar, at codon 344 of the PRKAR1A protein (p.Pro344Ser). This variant is not present in population databases (gnomAD no frequency). In summary, the available evidence is currently insufficient to determine the role of this variant in disease. Therefore, it has been classified as a Variant of Uncertain Significance. Advanced modeling of protein sequence and biophysical properties (such as structural, functional, and spatial information, amino acid conservation, physicochemical variation, residue mobility, and thermodynamic stability) performed at Invitae indicates that this missense variant is not expected to disrupt PRKAR1A protein function. This variant has not been reported in the literature in individuals affected with PRKAR1A-related conditions.